The following is an entry in ClinVar:

NM_212482.4(FN1):c.5369_5370del (p.Thr1790fs)

Gene: FN1 (fibronectin 1; minus strand). Cytogenetic location: 2q35.
Variant type: Microsatellite.
Coding change: c.5369_5370del on transcript NM_212482.4 (MANE Select); coding-DNA positions 5369 to 5370, 2 bases deleted (CA; older notation c.5369_5370delCA).
Protein change: p.Thr1790fs; shifts the reading frame from threonine 1790.
Molecular consequence: frameshift variant. On other transcripts: intron variant (10).
Genome position (GRCh38, 1-based): chr2:215,380,875-215,380,876, TG deleted on the plus strand (CA on the coding strand, the reverse complement: FN1 is on the minus strand); deleting any 2 consecutive bases within chr2:215,380,875-215,380,879 gives the same sequence; the c. name uses the placement nearest the transcript's 3' end. VCF-style (leftmost placement, unchanged base first): chr2-215380874-CTG-C. GRCh37 (hg19) VCF-style: chr2-216245597-CTG-C.
Other names: c.5369_5370del, p.Thr1790fs (NM_001306129.2); c.5096_5097del, p.Thr1699fs (NM_001365518.2, NM_001365520.2, NM_001365524.2 and 2 more transcripts); c.4891+1336_4891+1337del (NM_212474.3, NM_001306132.2, NM_001365523.2 and 2 more transcripts); c.5164+1336_5164+1337del (NM_001306130.2, NM_001365522.2, NM_001365519.2 and 2 more transcripts); short protein forms T1699fs, T1790fs.
Identifiers: ClinVar variation 1367879 (VCV001367879.7), dbSNP rs771111687, ClinGen allele CA2094172.

ClinVar aggregate classification (germline): Uncertain significance. Review status: criteria provided, multiple submitters, no conflicts (2 of 4 stars). 2 submissions from 2 submitters: Uncertain significance (2). Last evaluated 2021-12-09.

Conditions:
Glomerulopathy with fibronectin deposits 2 (GFND2). Identifiers: Orphanet 84090, MedGen C1866075, MONDO:0011165, OMIM 601894.
Spondylometaphyseal dysplasia - Sutcliffe type. Also called: Spondylometaphyseal dysplasia, 'corner fracture' type; Spondylometaphyseal Dysplasia, Corner Fracture Type; Sutcliffe type of spondylometaphyseal dysplasia; Sutcliffe SMD. Identifiers: Orphanet 93315, MedGen C0432221, MONDO:0008479, OMIM 184255.

Submissions (2):

Labcorp Genetics (formerly Invitae), Labcorp
Classification: Uncertain significance. Last evaluated: 2021-12-09. Review status: criteria provided, single submitter. Criteria: Invitae Variant Classification Sherloc (09022015). Collection method: clinical testing. Allele origin: germline.
Comment: In summary, the available evidence is currently insufficient to determine the role of this variant in disease. Therefore, it has been classified as a Variant of Uncertain Significance. This variant has not been reported in the literature in individuals affected with FN1-related conditions. This variant is present in population databases (rs771111687, gnomAD 0.009%). This sequence change creates a premature translational stop signal (p.Thr1790Serfs*9) in the FN1 gene. It is expected to result in an absent or disrupted protein product. However, the current clinical and genetic evidence is not sufficient to establish whether loss-of-function variants in FN1 cause disease.

Fulgent Genetics
Classification: Uncertain significance for Spondylometaphyseal dysplasia - Sutcliffe type; Glomerulopathy with fibronectin deposits 2. Last evaluated: 2021-07-07. Review status: criteria provided, single submitter. Criteria: ACMG Guidelines, 2015. Collection method: clinical testing. Allele origin: unknown.